The following is an entry in ClinVar:

ClinVar aggregate classification (germline): Uncertain significance (1 of 4 stars; one submission).

Submission:

Labcorp Genetics (formerly Invitae), Labcorp
Classification: Uncertain significance. Last evaluated: 2022-05-08. Review status: criteria provided, single submitter. Criteria: Invitae Variant Classification Sherloc (09022015). Collection method: clinical testing. Allele origin: germline.
Comment: This variant has not been reported in the literature in individuals affected with GLRX5-related conditions. In summary, the available evidence is currently insufficient to determine the role of this variant in disease. Therefore, it has been classified as a Variant of Uncertain Significance. Algorithms developed to predict the effect of missense changes on protein structure and function (SIFT, PolyPhen-2, Align-GVGD) all suggest that this variant is likely to be tolerated. This variant is not present in population databases (gnomAD no frequency). This sequence change replaces alanine, which is neutral and non-polar, with serine, which is neutral and polar, at codon 87 of the GLRX5 protein (p.Ala87Ser).

NM_016417.3(GLRX5):c.259G>T (p.Ala87Ser)

Gene: GLRX5 (glutaredoxin 5; plus strand). Cytogenetic location: 14q32.13.
Variant type: single nucleotide variant.
Coding change: c.259G>T on transcript NM_016417.3 (MANE Select); coding-DNA position 259, G replaced by T.
Protein change: p.Ala87Ser; replaces alanine 87 with serine.
Molecular consequence: missense variant.
Genome position (GRCh38, 1-based): chr14:95,535,348, G>T. VCF-style: chr14-95535348-G-T. GRCh37 (hg19) VCF-style: chr14-96001685-G-T.
Other names: short protein forms A87S.
Identifiers: ClinVar variation 2419024 (VCV002419024.6), dbSNP rs2504104505, ClinGen allele CA390896645.